The following is an entry in ClinVar:

ClinVar aggregate classification (germline): Uncertain significance. Review status: criteria provided, multiple submitters, no conflicts (2 of 4 stars). 2 submissions from 2 submitters: Uncertain significance (2). Last evaluated 2023-03-11.

Conditions:
Hereditary cancer-predisposing syndrome. Also called: Hereditary Cancer Syndrome; Hereditary neoplastic syndrome; Neoplastic Syndromes, Hereditary; Tumor predisposition. Identifiers: Orphanet 140162, MedGen C0027672, MeSH D009386, MONDO:0015356.
Tuberous sclerosis 2 (TSC2). Identifiers: Orphanet 805, MedGen C1860707, MONDO:0013199, OMIM 613254.

Submissions (2):

Ambry Genetics
Classification: Uncertain significance for Hereditary cancer-predisposing syndrome. Last evaluated: 2023-03-11. Review status: criteria provided, single submitter. Criteria: Ambry Variant Classification Scheme 2023. Collection method: clinical testing. Allele origin: germline.
Comment: The p.A753V variant (also known as c.2258C>T), located in coding exon 20 of the TSC2 gene, results from a C to T substitution at nucleotide position 2258. The alanine at codon 753 is replaced by valine, an amino acid with similar properties. This amino acid position is conserved. In addition, the in silico prediction for this alteration is inconclusive. Since supporting evidence is limited at this time, the clinical significance of this alteration remains unclear.

Labcorp Genetics (formerly Invitae), Labcorp
Classification: Uncertain significance for Tuberous sclerosis 2. Last evaluated: 2022-01-14. Review status: criteria provided, single submitter. Criteria: Invitae Variant Classification Sherloc (09022015). Collection method: clinical testing. Allele origin: germline.
Comment: In summary, the available evidence is currently insufficient to determine the role of this variant in disease. Therefore, it has been classified as a Variant of Uncertain Significance. Advanced modeling of protein sequence and biophysical properties (such as structural, functional, and spatial information, amino acid conservation, physicochemical variation, residue mobility, and thermodynamic stability) performed at Invitae indicates that this missense variant is not expected to disrupt TSC2 protein function. This variant has not been reported in the literature in individuals affected with TSC2-related conditions. This variant is not present in population databases (gnomAD no frequency). This sequence change replaces alanine, which is neutral and non-polar, with valine, which is neutral and non-polar, at codon 753 of the TSC2 protein (p.Ala753Val).

NM_000548.5(TSC2):c.2258C>T (p.Ala753Val)

Gene: TSC2 (TSC complex subunit 2; plus strand). Cytogenetic location: 16p13.3.
Variant type: single nucleotide variant.
Coding change: c.2258C>T on transcript NM_000548.5 (MANE Select); coding-DNA position 2258, C replaced by T.
Protein change: p.Ala753Val; replaces alanine 753 with valine.
Molecular consequence: missense variant.
Genome position (GRCh38, 1-based): chr16:2,072,886, C>T. VCF-style: chr16-2072886-C-T. GRCh37 (hg19) VCF-style: chr16-2122887-C-T.
Other names: c.1658C>T, p.Ala553Val (NM_001406684.1, NM_001406685.1, NM_001406686.1 and 6 more transcripts); c.2111C>T, p.Ala704Val (NM_001406679.1, NM_001318829.2, NM_001406675.1 and 1 more transcripts); c.1796C>T, p.Ala599Val (NM_001406681.1); c.2258C>T, p.Ala753Val (NM_001077183.3, NM_001114382.3, NM_001363528.2 and 6 more transcripts); c.2147C>T, p.Ala716Val (NM_001318827.2, NM_001406670.1, NM_001406678.1); c.2291C>T, p.Ala764Val (NM_001318832.2); c.2348C>T, p.Ala783Val (NM_001406667.1, NM_001406668.1); c.2246C>T, p.Ala749Val (NM_001406671.1, NM_001406673.1); and 3 more; short protein forms A305V, A553V, A599V, A764V, A734V, A753V, A704V, A749V.
Identifiers: ClinVar variation 2082975 (VCV002082975.6), dbSNP rs2543763492, ClinGen allele CA394276392.